The following is an entry in ClinVar:

ClinVar aggregate classification (germline): Conflicting classifications of pathogenicity. Review status: criteria provided, conflicting classifications (1 of 4 stars). 4 submissions from 4 submitters: Uncertain significance (3); Likely benign (1). Last evaluated 2025-10-06.

Conditions:
Inborn genetic diseases. Identifiers: MedGen C0950123, MeSH D030342.

Allele frequency attached by ClinVar (database versions not stated): gnomAD exomes 0.00003.

Submissions (4):

Ambry Genetics
Classification: Uncertain significance for Inborn genetic diseases. Last evaluated: 2025-10-06. Review status: criteria provided, single submitter. Criteria: Ambry Variant Classification Scheme 2023. Collection method: clinical testing. Allele origin: germline.
Comment: The c.6968G>A (p.R2323H) alteration is located in exon 29 (coding exon 29) of the KMT2B gene. This alteration results from a G to A substitution at nucleotide position 6968, causing the arginine (R) at amino acid position 2323 to be replaced by a histidine (H). This allele was reported in one heterozygous individual in population-based cohorts in the Genome Aggregation Database (gnomAD). This amino acid position is highly conserved in available vertebrate species. The in silico prediction for this alteration is inconclusive. Based on insufficient or conflicting evidence, the clinical significance of this alteration remains unclear.

Labcorp Genetics (formerly Invitae), Labcorp
Classification: Likely benign. Last evaluated: 2023-08-31. Review status: criteria provided, single submitter. Criteria: Invitae Variant Classification Sherloc (09022015). Collection method: clinical testing. Allele origin: germline.

CeGaT Center for Human Genetics Tuebingen
Classification: Uncertain significance. Last evaluated: 2022-11-01. Review status: criteria provided, single submitter. Criteria: CeGaT Center For Human Genetics Tuebingen Variant Classification Criteria Version 2. Collection method: clinical testing. Allele origin: germline. Affected: yes. Observed: 1 variant allele.

Blueprint Genetics
Classification: Uncertain significance. Last evaluated: 2020-09-10. Review status: criteria provided, single submitter. Criteria: ACMG Guidelines, 2015. Collection method: clinical testing. Allele origin: germline.

NM_014727.3(KMT2B):c.6968G>A (p.Arg2323His)

Gene: KMT2B (lysine methyltransferase 2B; plus strand). Cytogenetic location: 19q13.12.
Variant type: single nucleotide variant.
Coding change: c.6968G>A on transcript NM_014727.3 (MANE Select); coding-DNA position 6968, G replaced by A.
Protein change: p.Arg2323His; replaces arginine 2323 with histidine.
Molecular consequence: missense variant.
Genome position (GRCh38, 1-based): chr19:35,733,605, G>A. VCF-style: chr19-35733605-G-A. GRCh37 (hg19) VCF-style: chr19-36224506-G-A.
Other names: c.6968G>A (NM_014727.1); short protein forms R2323H.
Identifiers: ClinVar variation 1879434 (VCV001879434.33), dbSNP rs752337579, ClinGen allele CA9385813.